The following is an entry in ClinVar:

NM_001854.4(COL11A1):c.1320C>T (p.Val440=)

Gene: COL11A1 (collagen type XI alpha 1 chain; minus strand). Cytogenetic location: 1p21.1.
Variant type: single nucleotide variant.
Coding change: c.1320C>T on transcript NM_001854.4 (MANE Select); coding-DNA position 1320, C replaced by T.
Protein change: p.Val440=; no amino-acid change (valine 440 retained).
Molecular consequence: synonymous variant. On other transcripts: non-coding transcript variant (1).
Genome position (GRCh38, 1-based): chr1:103,018,848, G>A on the plus strand (C>T on the coding strand, the complement: COL11A1 is on the minus strand). VCF-style: chr1-103018848-G-A. GRCh37 (hg19) VCF-style: chr1-103484404-G-A.
Other names: c.1203C>T, p.Val401= (NM_001190709.2); c.1356C>T, p.Val452= (NM_080629.3); c.972C>T, p.Val324= (NM_080630.4).
Identifiers: ClinVar variation 291536 (VCV000291536.16), dbSNP rs201585594, ClinGen allele CA975026.

ClinVar aggregate classification (germline): Conflicting classifications of pathogenicity. Review status: criteria provided, conflicting classifications (1 of 4 stars). 5 submissions from 4 submitters: Uncertain significance (1); Benign (1); Likely benign (3). Last evaluated 2026-01-25.

Conditions:
Fibrochondrogenesis 1 (FBCG1). Identifiers: Orphanet 2021, MedGen C3278138, MONDO:0009226, OMIM 228520.
Stickler syndrome type 2 (STL2). Also called: COL11A1-Related Stickler Syndrome; STICKLER SYNDROME, TYPE II; STICKLER SYNDROME, BEADED VITREOUS TYPE; STICKLER SYNDROME, VITREOUS TYPE 2. Identifiers: Orphanet 828, Orphanet 90654, MedGen C1858084, MONDO:0011493, OMIM 604841.

Allele frequency attached by ClinVar (database versions not stated): 1000 Genomes Project 30x 0.00062; gnomAD 0.00004 and 0.00007; TOPMed 0.00017; 1000 Genomes Project 0.00060.
gnomAD v4.1: 91 of 1,612,158 alleles (0.0056%); highest among the groups gnomAD compares: East Asian, 0.16%; no homozygotes.

Submissions (5):

Labcorp Genetics (formerly Invitae), Labcorp
Classification: Benign. Last evaluated: 2026-01-25. Review status: criteria provided, single submitter. Criteria: Invitae Variant Classification Sherloc (09022015). Collection method: clinical testing. Allele origin: germline.

Blueprint Genetics
Classification: Likely benign. Last evaluated: 2023-02-06. Review status: criteria provided, single submitter. Criteria: ACMG Guidelines, 2015. Collection method: clinical testing. Allele origin: germline.

GeneDx
Classification: Likely benign. Last evaluated: 2020-03-31. Review status: criteria provided, single submitter. Criteria: GeneDx Variant Classification Process June 2021. Collection method: clinical testing. Allele origin: germline. Affected: yes.

Illumina Laboratory Services, Illumina
Classification: Uncertain significance for Fibrochondrogenesis 1. Last evaluated: 2018-01-12. Review status: criteria provided, single submitter. Criteria: ICSL Variant Classification Criteria 13 December 2019. Collection method: clinical testing. Allele origin: germline.

Illumina Laboratory Services, Illumina
Classification: Likely benign for Stickler syndrome type 2. Last evaluated: 2018-01-12. Review status: criteria provided, single submitter. Criteria: ICSL Variant Classification Criteria 13 December 2019. Collection method: clinical testing. Allele origin: germline.
Comment: This variant was observed in the ICSL laboratory as part of a predisposition screen in an ostensibly healthy population. It had not been previously curated by ICSL or reported in the Human Gene Mutation Database (HGMD: prior to June 1st, 2018), and was therefore a candidate for classification through an automated scoring system. Utilizing variant allele frequency, disease prevalence and penetrance estimates, and inheritance mode, an automated score was calculated to assess if this variant is too frequent to cause the disease. Based on the score and internal cut-off values, a variant classified as likely benign is not then subjected to further curation. The score for this variant resulted in a classification of likely benign for this disease.